The following is an entry in ClinVar:

ClinVar aggregate classification (germline): Uncertain significance (1 of 4 stars; one submission).

Conditions:
Inborn genetic diseases. Identifiers: MedGen C0950123, MeSH D030342.

Allele frequency attached by ClinVar (database versions not stated): gnomAD 0.00001; TOPMed 0.00002.
gnomAD v4.1: 45 of 1,613,620 alleles (0.0028%); highest among the groups gnomAD compares: Non-Finnish European, 0.0034%; no homozygotes.

Submission:

Ambry Genetics
Classification: Uncertain significance for Inborn genetic diseases. Last evaluated: 2021-01-06. Review status: criteria provided, single submitter. Criteria: Ambry Variant Classification Scheme 2023. Collection method: clinical testing. Allele origin: germline.
Comment: The c.2767A>G (p.I923V) alteration is located in exon 21 (coding exon 21) of the MYO5A gene. This alteration results from a A to G substitution at nucleotide position 2767, causing the isoleucine (I) at amino acid position 923 to be replaced by a valine (V). The p.I923V alteration is predicted to be tolerated by in silico analysis. Based on insufficient or conflicting evidence, the clinical significance of this alteration remains unclear.

NM_001382347.1(MYO5A):c.2767A>G (p.Ile923Val)

Gene: MYO5A (myosin VA; minus strand). Cytogenetic location: 15q21.2.
Variant type: single nucleotide variant.
Coding change: c.2767A>G on transcript NM_001382347.1 (MANE Select); coding-DNA position 2767, A replaced by G.
Protein change: p.Ile923Val; replaces isoleucine 923 with valine.
Molecular consequence: missense variant.
Genome position (GRCh38, 1-based): chr15:52,372,174, T>C on the plus strand (A>G on the coding strand, the complement: MYO5A is on the minus strand). VCF-style: chr15-52372174-T-C. GRCh37 (hg19) VCF-style: chr15-52664371-T-C.
Other names: c.2767A>G, p.Ile923Val (NM_000259.3, NM_001142495.2, NM_001411135.1); c.2839A>G, p.Ile947Val (NM_001382348.1, NM_001382349.1); short protein forms I947V, I923V.
Identifiers: ClinVar variation 2228712 (VCV002228712.2), dbSNP rs757621774, ClinGen allele CA7568608.